The following is an entry in ClinVar:

NM_002487.3(NDN):c.504C>T (p.Val168=)

Gene: NDN (necdin, MAGE family member; minus strand). Cytogenetic location: 15q11.2.
Variant type: single nucleotide variant.
Coding change: c.504C>T on transcript NM_002487.3 (MANE Select); coding-DNA position 504, C replaced by T.
Protein change: p.Val168=; no amino-acid change (valine 168 retained).
Molecular consequence: synonymous variant.
Genome position (GRCh38, 1-based): chr15:23,686,714, G>A on the plus strand (C>T on the coding strand, the complement: NDN is on the minus strand). VCF-style: chr15-23686714-G-A. GRCh37 (hg19) VCF-style: chr15-23931861-G-A.
Identifiers: ClinVar variation 2645005 (VCV002645005.24), dbSNP rs748887378, ClinGen allele CA7430229.

ClinVar aggregate classification (germline): Likely benign (1 of 4 stars; one submission).

Allele frequency attached by ClinVar (database versions not stated): TOPMed below 0.00001; ExAC 0.00001.

Submission:

CeGaT Center for Human Genetics Tuebingen
Classification: Likely benign. Last evaluated: 2022-10-01. Review status: criteria provided, single submitter. Criteria: CeGaT Center For Human Genetics Tuebingen Variant Classification Criteria Version 2. Collection method: clinical testing. Allele origin: germline. Affected: yes. Observed: 1 variant allele.
Comment: NDN: BP4, BP7